The following is an entry in ClinVar:

ClinVar aggregate classification (germline): Benign/Likely benign. Review status: criteria provided, multiple submitters, no conflicts (2 of 4 stars). 8 submissions from 8 submitters: Benign (3); Likely benign (4). 1 of the submissions does not count toward it. Last evaluated 2026-01-12.

Conditions:
ARID1B-Related Disorder. Identifiers: MedGen CN381337.
Inborn genetic diseases. Identifiers: MedGen C0950123, MeSH D030342.
Coffin-Siris syndrome 1 (CSS1). Also called: Mental retardation, autosomal dominant 12; ARID1B-Related Coffin-Siris Syndrome. Identifiers: Orphanet 1465, MedGen C3281201, MONDO:0007617, OMIM 135900. Disease mechanism: gain of function.

Submissions (8):

Labcorp Genetics (formerly Invitae), Labcorp
Classification: Benign. Last evaluated: 2026-01-12. Review status: criteria provided, single submitter. Criteria: Invitae Variant Classification Sherloc (09022015). Collection method: clinical testing. Allele origin: germline.

CeGaT Center for Human Genetics Tuebingen
Classification: Benign. Last evaluated: 2025-11-01. Review status: criteria provided, single submitter. Criteria: CeGaT Center For Human Genetics Tuebingen Variant Classification Criteria Version 2. Collection method: clinical testing. Allele origin: germline. Affected: yes. Observed: 20 variant alleles.
Comment: ARID1B: BS1, BS2

Blueprint Genetics
Classification: Likely benign. Last evaluated: 2024-11-11. Review status: criteria provided, single submitter. Criteria: ACMG Guidelines, 2015. Collection method: clinical testing. Allele origin: germline.

Ambry Genetics
Classification: Likely benign for Inborn genetic diseases. Last evaluated: 2024-04-05. Review status: criteria provided, single submitter. Criteria: Ambry Variant Classification Scheme 2023. Collection method: clinical testing. Allele origin: germline.

Fulgent Genetics
Classification: Likely benign for Coffin-Siris syndrome 1. Last evaluated: 2022-05-30. Review status: criteria provided, single submitter. Criteria: ACMG Guidelines, 2015. Collection method: clinical testing. Allele origin: unknown.

GeneDx
Classification: Benign. Last evaluated: 2019-05-13. Review status: criteria provided, single submitter. Criteria: GeneDx Variant Classification Process June 2021. Collection method: clinical testing. Allele origin: germline. Affected: yes.

Genetic Services Laboratory, University of Chicago
Classification: Likely benign. Last evaluated: 2015-11-16. Review status: criteria provided, single submitter. Criteria: ACMG Guidelines, 2015. Collection method: clinical testing. Allele origin: germline. Affected: no.

PreventionGenetics, part of Exact Sciences
Classification: Benign for ARID1B-related condition. Last evaluated: 2019-09-24. Review status: no assertion criteria provided. Collection method: clinical testing. Allele origin: germline. Not counted in ClinVar's aggregate classification.
Comment: This variant is classified as benign based on ACMG/AMP sequence variant interpretation guidelines (Richards et al. 2015 PMID: 25741868, with internal and published modifications).

NM_001374828.1(ARID1B):c.1170CGG[5] (p.Gly400_Gly402del)

Gene: ARID1B (AT-rich interaction domain 1B; plus strand). Cytogenetic location: 6q25.3.
Variant type: Microsatellite.
Coding change: c.1170CGG[5] on transcript NM_001374828.1 (MANE Select); five copies in a row of the 3-base unit CGG starting at c.1170; the reference has eight copies in a row; three copies, 9 bases deleted.
Protein change: p.Gly400_Gly402del.
Molecular consequence: inframe deletion.
Genome position (GRCh38, 1-based): chr6:156,778,865-156,778,873, CGGCGGCGG deleted; deleting any 9 consecutive bases within chr6:156,778,848-156,778,873 gives the same sequence; the position shown is the placement nearest the transcript's 3' end. VCF-style (leftmost placement, unchanged base first): chr6-156778847-GGGCGGCGGC-G. GRCh37 (hg19) VCF-style: chr6-157099981-GGGCGGCGGC-G.
Other names: c.936_944delCGGCGGCGG (NM_020732.3); c.936_944del9 (NM_020732.3); c.1170CGG[5], p.Gly400_Gly402del (NM_001371656.1, NM_001374820.1, NM_017519.3).
Identifiers: ClinVar variation 434371 (VCV000434371.51), dbSNP rs587779747, ClinGen allele CA4066708.